The following is an entry in ClinVar:

NM_015509.4(NECAP1):c.780-12_780-10del

Gene: NECAP1 (NECAP endocytosis associated 1; plus strand). Cytogenetic location: 12p13.31.
Variant type: Deletion.
Coding change: c.780-12_780-10del on transcript NM_015509.4 (MANE Select); 12 bases into the intron before coding-DNA position 780 through 10 bases into the intron before coding-DNA position 780, 3 bases deleted (CCT; older notation c.780-12_780-10delCCT).
Molecular consequence: intron variant.
Genome position (GRCh38, 1-based): chr12:8,096,030-8,096,032, CCT deleted; deleting any 3 consecutive bases within chr12:8,096,028-8,096,032 gives the same sequence; the c. name uses the placement nearest the transcript's 3' end. VCF-style (leftmost placement, unchanged base first): chr12-8096027-TCTC-T. GRCh37 (hg19) VCF-style: chr12-8248623-TCTC-T.
Other names: c.780-12_780-10delCCT (NM_015509.3).
Identifiers: ClinVar variation 3016890 (VCV003016890.5), dbSNP rs762477119, ClinGen allele CA6432361.

ClinVar aggregate classification (germline): Likely benign. Review status: criteria provided, single submitter (1 of 4 stars). 2 submissions from 2 submitters: Likely benign (1). 1 of the submissions does not count toward it. Last evaluated 2026-01-26.

Conditions:
NECAP1-related disorder. Also called: NECAP1-related condition.
Developmental and epileptic encephalopathy, 21 (DEE21). Also called: Early infantile epileptic encephalopathy 21. Identifiers: Orphanet 442835, MedGen C4014430, MONDO:0014360, OMIM 615833.

Submissions (2):

Labcorp Genetics (formerly Invitae), Labcorp
Classification: Likely benign for Developmental and epileptic encephalopathy, 21. Last evaluated: 2026-01-26. Review status: criteria provided, single submitter. Criteria: Invitae Variant Classification Sherloc (09022015). Collection method: clinical testing. Allele origin: germline.

PreventionGenetics, part of Exact Sciences
Classification: Likely benign for NECAP1-related condition. Last evaluated: 2019-05-28. Review status: no assertion criteria provided. Collection method: clinical testing. Allele origin: germline. Not counted in ClinVar's aggregate classification.
Comment: This variant is classified as likely benign based on ACMG/AMP sequence variant interpretation guidelines (Richards et al. 2015 PMID: 25741868, with internal and published modifications).